The following is an entry in ClinVar:

ClinVar aggregate classification (germline): Conflicting classifications of pathogenicity. Review status: criteria provided, conflicting classifications (1 of 4 stars). 3 submissions from 3 submitters: Uncertain significance (1); Likely benign (2). Last evaluated 2025-12-23.

Conditions:
FHOD3-related disorder. Also called: FHOD3-related condition.
Cardiovascular phenotype. Identifiers: MedGen CN230736.

gnomAD v4.1: 757 of 1,533,922 alleles (0.049%); highest among the groups gnomAD compares: Admixed American, 0.16%; 1 homozygote.

Submissions (3):

PreventionGenetics, part of Exact Sciences
Classification: Likely benign for FHOD3-related condition. Last evaluated: 2025-12-23. Review status: criteria provided, single submitter. Criteria: ACMG Guidelines, 2015. Collection method: clinical testing. Allele origin: germline.
Comment: This variant is classified as likely benign based on ACMG/AMP sequence variant interpretation guidelines (Richards et al. 2015 PMID: 25741868, with internal and published modifications).

Molecular Diagnostic Laboratory for Inherited Cardiovascular Disease, Montreal Heart Institute
Classification: Uncertain significance for Cardiovascular phenotype. Last evaluated: 2025-04-09. Review status: criteria provided, single submitter. Criteria: ACMG Guidelines, 2015. Collection method: clinical testing. Allele origin: germline. Affected: yes.

Blueprint Genetics
Classification: Likely benign. Last evaluated: 2024-10-07. Review status: criteria provided, single submitter. Criteria: ACMG Guidelines, 2015. Collection method: clinical testing. Allele origin: germline.

NM_001281740.3(FHOD3):c.1701C>A (p.Phe567Leu)

Gene: FHOD3 (formin homology 2 domain containing 3; plus strand). Cytogenetic location: 18q12.2.
Variant type: single nucleotide variant.
Coding change: c.1701C>A on transcript NM_001281740.3 (MANE Select); coding-DNA position 1701, C replaced by A.
Protein change: p.Phe567Leu; replaces phenylalanine 567 with leucine.
Molecular consequence: missense variant. On other transcripts: intron variant (2).
Genome position (GRCh38, 1-based): chr18:36,653,396, C>A. VCF-style: chr18-36653396-C-A. GRCh37 (hg19) VCF-style: chr18-34233359-C-A.
Other names: c.1701C>A (NM_001281740.2); c.1197-4679C>A (NM_025135.5, NM_001281739.3); short protein forms F567L.
Identifiers: ClinVar variation 3894903 (VCV003894903.3), dbSNP rs765554637.